The following is an entry in ClinVar:

ClinVar aggregate classification (germline): Likely pathogenic (1 of 4 stars; one submission).

Submission:

Labcorp Genetics (formerly Invitae), Labcorp
Classification: Likely pathogenic. Last evaluated: 2023-08-07. Review status: criteria provided, single submitter. Criteria: Invitae Variant Classification Sherloc (09022015). Collection method: clinical testing. Allele origin: germline.
Comment: In summary, the currently available evidence indicates that the variant is pathogenic, but additional data are needed to prove that conclusively. Therefore, this variant has been classified as Likely Pathogenic. Algorithms developed to predict the effect of sequence changes on RNA splicing suggest that this variant may disrupt the consensus splice site. This sequence change affects an acceptor splice site in intron 1 of the GNPTG gene. It is expected to disrupt RNA splicing. Variants that disrupt the donor or acceptor splice site typically lead to a loss of protein function (PMID: 16199547), and loss-of-function variants in GNPTG are known to be pathogenic (PMID: 19370764, 20301784). This variant is not present in population databases (gnomAD no frequency). This variant has not been reported in the literature in individuals affected with GNPTG-related conditions.

Literature cited by the submitters: PubMed 16199547; PubMed 19370764; PubMed 20301784.

NM_032520.5(GNPTG):c.53-2A>C

Genes: GNPTG (N-acetylglucosamine-1-phosphate transferase subunit gamma; plus strand), LOC130058158 (ATAC-STARR-seq lymphoblastoid silent region 6972; plus strand). Cytogenetic location: 16p13.3.
Variant type: single nucleotide variant.
Coding change: c.53-2A>C on transcript NM_032520.5 (MANE Select); the canonical splice acceptor site of the intron before coding-DNA position 53, A replaced by C.
Molecular consequence: splice acceptor variant.
Genome position (GRCh38, 1-based): chr16:1,352,100, A>C. VCF-style: chr16-1352100-A-C. GRCh37 (hg19) VCF-style: chr16-1402101-A-C.
Identifiers: ClinVar variation 2750836 (VCV002750836.3), dbSNP rs779597308, ClinGen allele CA394183970.